The following is an entry in ClinVar:

NM_002392.6(MDM2):c.57_59del (p.Val20del)

Genes: MDM2 (MDM2 proto-oncogene; plus strand), LOC126861563 (CDK7 strongly-dependent group 2 enhancer GRCh37_chr12:69202246-69203445; plus strand). Cytogenetic location: 12q15.
Variant type: Deletion.
Coding change: c.57_59del on transcript NM_002392.6 (MANE Select); coding-DNA positions 57 to 59, 3 bases deleted (TGT; older notation c.57_59delTGT).
Protein change: p.Val20del; deletes valine 20.
Molecular consequence: inframe deletion.
Genome position (GRCh38, 1-based): chr12:68,809,250-68,809,252, TGT deleted. VCF-style (leftmost placement, unchanged base first): chr12-68809249-CTGT-C. GRCh37 (hg19) VCF-style: chr12-69203029-CTGT-C.
Other names: c.39_41del, p.Val14del (NM_001145337.3, NM_001145340.3, NM_001278462.2 and 1 more transcripts); c.57_59del, p.Val20del (NM_001145339.2); short protein forms V14del, V20del.
Identifiers: ClinVar variation 1348381 (VCV001348381.6), dbSNP rs1367482093, ClinGen allele CA691319861.

ClinVar aggregate classification (germline): Uncertain significance (1 of 4 stars; one submission).

Conditions:
Accelerated tumor formation, susceptibility to (ACTFS). Identifiers: MedGen C3280690, OMIM 614401, MONDO:0013733.

Allele frequency attached by ClinVar (database versions not stated): gnomAD exomes below 0.00001; gnomAD 0.00001; TOPMed 0.00001.

Submission:

Labcorp Genetics (formerly Invitae), Labcorp
Classification: Uncertain significance for Accelerated tumor formation, susceptibility to. Last evaluated: 2023-09-11. Review status: criteria provided, single submitter. Criteria: Invitae Variant Classification Sherloc (09022015). Collection method: clinical testing. Allele origin: germline.
Comment: This variant, c.57_59del, results in the deletion of 1 amino acid(s) of the MDM2 protein (p.Val20del), but otherwise preserves the integrity of the reading frame. This variant is not present in population databases (gnomAD no frequency). This variant has not been reported in the literature in individuals affected with MDM2-related conditions. ClinVar contains an entry for this variant (Variation ID: 1348381). Experimental studies and prediction algorithms are not available or were not evaluated, and the functional significance of this variant is currently unknown. In summary, the available evidence is currently insufficient to determine the role of this variant in disease. Therefore, it has been classified as a Variant of Uncertain Significance.